The following is an entry in ClinVar:

NM_153816.6(SNX14):c.994-5T>A

Gene: SNX14 (sorting nexin 14; minus strand). Cytogenetic location: 6q14.3.
Variant type: single nucleotide variant.
Coding change: c.994-5T>A on transcript NM_153816.6 (MANE Select); 5 bases into the intron before coding-DNA position 994, T replaced by A.
Molecular consequence: intron variant.
Genome position (GRCh38, 1-based): chr6:85,547,231, A>T on the plus strand (T>A on the coding strand, the complement: SNX14 is on the minus strand). VCF-style: chr6-85547231-A-T. GRCh37 (hg19) VCF-style: chr6-86256949-A-T.
Other names: c.703-5T>A (NM_001350543.2); c.835-5T>A (NM_001350539.2); c.706-5T>A (NM_001350542.2); c.550-5T>A (NM_001350546.2, NM_001350545.2); c.-57-5T>A (NM_001350547.2); c.694-5T>A (NM_001350544.2); c.-158-5T>A (NM_001350553.2, NM_001350549.2, NM_001350548.2 and 2 more transcripts); c.838-5T>A (NM_001304479.2); and 7 more.
Identifiers: ClinVar variation 746921 (VCV000746921.11), dbSNP rs145795023, ClinGen allele CA3912247.
Genomic context (GRCh38, chr6:85,547,231, plus strand): 5'-AAACGAAATAAAAGATCTTGTTGCTCTCTGATTTGCTTCAATTCTAACTTCAGCACCTTG[A>T]TATAAGAGAAAGATTAAGTTTAAGCTATATAAATGAGTTCTAAAATTGTTTATATCAAAA-3'

ClinVar aggregate classification (germline): Conflicting classifications of pathogenicity. Review status: criteria provided, conflicting classifications (1 of 4 stars). 3 submissions from 3 submitters: Uncertain significance (1); Benign (1). 1 of the submissions does not count toward it. Last evaluated 2025-06-13.

Conditions:
SNX14-related disorder. Also called: SNX14-related condition.

Allele frequency attached by ClinVar (database versions not stated): gnomAD exomes 0.00017 and 0.00046; ExAC 0.00051; gnomAD 0.00182 and 0.00203; 1000 Genomes Project 0.00200; ESP Exome Variant Server 0.00200; 1000 Genomes Project 30x 0.00203; TOPMed 0.00210.
gnomAD v4.1: 530 of 1,613,196 alleles (0.033%); highest among the groups gnomAD compares: African/African-American, 0.64%; 5 homozygotes.

Submissions (3):

Labcorp Genetics (formerly Invitae), Labcorp
Classification: Benign. Last evaluated: 2025-06-13. Review status: criteria provided, single submitter. Criteria: Invitae Variant Classification Sherloc (09022015). Collection method: clinical testing. Allele origin: germline.

GeneDx
Classification: Uncertain significance. Last evaluated: 2018-12-07. Review status: criteria provided, single submitter. Criteria: GeneDx Variant Classification Process June 2021. Collection method: clinical testing. Allele origin: germline. Affected: yes.
Comment: Has not been previously published as pathogenic or benign to our knowledge; In-silico analysis, which includes splice predictors and evolutionary conservation, is inconclusive as to whether the variant alters gene splicing. In the absence of RNA/functional studies, the actual effect of this sequence change is unknown.

PreventionGenetics, part of Exact Sciences
Classification: Likely benign for SNX14-related condition. Last evaluated: 2022-05-09. Review status: no assertion criteria provided. Collection method: clinical testing. Allele origin: germline. Not counted in ClinVar's aggregate classification.
Comment: This variant is classified as likely benign based on ACMG/AMP sequence variant interpretation guidelines (Richards et al. 2015 PMID: 25741868, with internal and published modifications).